The following is an entry in ClinVar:

NM_021927.3(GUF1):c.735-10T>C

Gene: GUF1 (GTP binding elongation factor GUF1; plus strand). Cytogenetic location: 4p12.
Variant type: single nucleotide variant.
Coding change: c.735-10T>C on transcript NM_021927.3 (MANE Select); 10 bases into the intron before coding-DNA position 735, T replaced by C.
Molecular consequence: intron variant.
Genome position (GRCh38, 1-based): chr4:44,686,500, T>C. VCF-style: chr4-44686500-T-C. GRCh37 (hg19) VCF-style: chr4-44688517-T-C.
Other names: c.735-10T>C (NM_001345868.2); c.-238-10T>C (NM_001345867.2, NM_001345869.2).
Identifiers: ClinVar variation 3051454 (VCV003051454.4), dbSNP rs756224726, ClinGen allele CA2905427.

ClinVar aggregate classification (germline): Likely benign. Review status: criteria provided, single submitter (1 of 4 stars). 2 submissions from 2 submitters: Likely benign (1). 1 of the submissions does not count toward it. Last evaluated 2025-03-19.

Conditions:
GUF1-related disorder. Also called: GUF1-related condition.

Allele frequency attached by ClinVar (database versions not stated): gnomAD 0.00001.

Submissions (2):

Labcorp Genetics (formerly Invitae), Labcorp
Classification: Likely benign. Last evaluated: 2025-03-19. Review status: criteria provided, single submitter. Criteria: Invitae Variant Classification Sherloc (09022015). Collection method: clinical testing. Allele origin: germline.

PreventionGenetics, part of Exact Sciences
Classification: Likely benign for GUF1-related condition. Last evaluated: 2020-02-11. Review status: no assertion criteria provided. Collection method: clinical testing. Allele origin: germline. Not counted in ClinVar's aggregate classification.
Comment: This variant is classified as likely benign based on ACMG/AMP sequence variant interpretation guidelines (Richards et al. 2015 PMID: 25741868, with internal and published modifications).